The following is an entry in ClinVar:

ClinVar aggregate classification (germline): Likely benign. Review status: criteria provided, multiple submitters, no conflicts (2 of 4 stars). 4 submissions from 4 submitters: Likely benign (3). 1 of the submissions does not count toward it. Last evaluated 2026-10-01.

Conditions:
SETD1B-related disorder. Also called: SETD1B-related condition.
Inborn genetic diseases. Identifiers: MedGen C0950123, MeSH D030342.

Allele frequency attached by ClinVar (database versions not stated): 1000 Genomes Project 30x 0.00031; ExAC 0.00035; 1000 Genomes Project 0.00040; gnomAD 0.00054; TOPMed 0.00062; ESP Exome Variant Server 0.00066.
gnomAD v4.1: 142 of 1,559,754 alleles (0.0091%); highest among the groups gnomAD compares: African/African-American, 0.18%; no homozygotes.

Submissions (4):

CeGaT Center for Human Genetics Tuebingen
Classification: Likely benign. Last evaluated: 2026-10-01. Review status: criteria provided, single submitter. Criteria: CeGaT Center For Human Genetics Tuebingen Variant Classification Criteria Version 2. Collection method: clinical testing. Allele origin: germline. Affected: yes. Observed: 1 variant allele.
Comment: SETD1B: BP4, BP7

Ambry Genetics
Classification: Likely benign for Inborn genetic diseases. Last evaluated: 2024-09-11. Review status: criteria provided, single submitter. Criteria: Ambry Variant Classification Scheme 2023. Collection method: clinical testing. Allele origin: germline.

Blueprint Genetics
Classification: Likely benign. Last evaluated: 2022-12-22. Review status: criteria provided, single submitter. Criteria: ACMG Guidelines, 2015. Collection method: clinical testing. Allele origin: germline.

PreventionGenetics, part of Exact Sciences
Classification: Likely benign for SETD1B-related condition. Last evaluated: 2019-05-01. Review status: no assertion criteria provided. Collection method: clinical testing. Allele origin: germline. Not counted in ClinVar's aggregate classification.
Comment: This variant is classified as likely benign based on ACMG/AMP sequence variant interpretation guidelines (Richards et al. 2015 PMID: 25741868, with internal and published modifications).

NM_001353345.2(SETD1B):c.5544G>A (p.Ala1848=)

Gene: SETD1B (SET domain containing 1B, histone lysine methyltransferase; plus strand). Cytogenetic location: 12q24.31.
Variant type: single nucleotide variant.
Coding change: c.5544G>A on transcript NM_001353345.2 (MANE Select); coding-DNA position 5544, G replaced by A.
Protein change: p.Ala1848=; no amino-acid change (alanine 1848 retained).
Molecular consequence: synonymous variant.
Genome position (GRCh38, 1-based): chr12:121,827,809, G>A. VCF-style: chr12-121827809-G-A. GRCh37 (hg19) VCF-style: chr12-122265715-G-A.
Other names: NM_015048.1:c.5415G>A.
Identifiers: ClinVar variation 3037247 (VCV003037247.5), dbSNP rs375850421, ClinGen allele CA6839308.